The following is an entry in ClinVar:

NM_033109.5(PNPT1):c.2196+284G>A

Gene: PNPT1 (polyribonucleotide nucleotidyltransferase 1; minus strand). Cytogenetic location: 2p16.1.
Variant type: single nucleotide variant.
Coding change: c.2196+284G>A on transcript NM_033109.5 (MANE Select); 284 bases into the intron after coding-DNA position 2196, G replaced by A.
Molecular consequence: intron variant.
Genome position (GRCh38, 1-based): chr2:55,637,268, C>T on the plus strand (G>A on the coding strand, the complement: PNPT1 is on the minus strand). VCF-style: chr2-55637268-C-T. GRCh37 (hg19) VCF-style: chr2-55864403-C-T.
Identifiers: ClinVar variation 673767 (VCV000673767.2), dbSNP rs141410243, ClinGen allele CA47647555.

ClinVar aggregate classification (germline): Likely benign. Review status: criteria provided, multiple submitters, no conflicts (2 of 4 stars). 2 submissions from 2 submitters: Likely benign (2). Last evaluated 2018-06-16.

Allele frequency attached by ClinVar (database versions not stated): gnomAD 0.00873 and 0.00933; 1000 Genomes Project 0.00899; 1000 Genomes Project 30x 0.00906; TOPMed 0.00948.
gnomAD v4.1: 1,315 of 152,318 alleles (0.86%); highest among the groups gnomAD compares: African/African-American, 3%; 23 homozygotes.

Submissions (2):

GeneDx
Classification: Likely benign. Last evaluated: 2018-06-16. Review status: criteria provided, single submitter. Criteria: GeneDx Variant Classification (06012015). Collection method: clinical testing. Allele origin: germline. Affected: yes.
Comment: This variant is considered likely benign or benign based on one or more of the following criteria: it is a conservative change, it occurs at a poorly conserved position in the protein, it is predicted to be benign by multiple in silico algorithms, and/or has population frequency not consistent with disease.

Breakthrough Genomics
Classification: Likely benign. Review status: criteria provided, single submitter. Criteria: ACMG Guidelines, 2015. Collection method: not provided. Allele origin: germline. Inheritance: Autosomal recessive inheritance. Affected: yes.